The following is an entry in ClinVar:

ClinVar aggregate classification (germline): Uncertain significance (1 of 4 stars; one submission).

Conditions:
Cardiovascular phenotype. Identifiers: MedGen CN230736.

Submission:

Ambry Genetics
Classification: Uncertain significance for Cardiovascular phenotype. Last evaluated: 2024-07-03. Review status: criteria provided, single submitter. Criteria: Ambry Variant Classification Scheme 2023. Collection method: clinical testing. Allele origin: germline.
Comment: The c.143_154dup12 variant (also known as p.E48_A51dup), located in coding exon 1 of the ALMS1 gene, results from an in-frame duplication of 12 nucleotides at nucleotide positions 143 to 154. This results in the duplication of 4 extra residues (EEEA) between codons 48 and 51. This amino acid region is not well conserved in available vertebrate species. In addition, this alteration is predicted to be neutral by in silico analysis (Choi Y et al. PLoS ONE. 2012; 7(10):e46688). Based on the available evidence, the clinical significance of this variant remains unclear.

NM_001378454.1(ALMS1):c.140_151dup (p.Ala50_Gly51insGluGluGluAla)

Gene: ALMS1 (ALMS1 centrosome and basal body associated protein; plus strand). Cytogenetic location: 2p13.1.
Variant type: Duplication.
Coding change: c.140_151dup on transcript NM_001378454.1 (MANE Select); coding-DNA positions 140 to 151, 12 bases duplicated (AGGAAGAGGCGG).
Protein change: p.Ala50_Gly51insGluGluGluAla.
Genome position (GRCh38, 1-based): chr2:73,386,008-73,386,019, AGGAAGAGGCGG duplicated; duplicating any 12 consecutive bases within chr2:73,386,006-73,386,019 gives the same sequence; the c. name uses the placement nearest the transcript's 3' end. VCF-style (leftmost placement, unchanged base first): chr2-73386005-T-TGGAGGAAGAGGC. GRCh37 (hg19) VCF-style: chr2-73613133-T-TGGAGGAAGAGGC.
Other names: c.143_154dup, p.Ala51_Gly52insGluGluGluAla (NM_015120.4); c.143_154dupAGGAAGAGGCGG (NM_015120.4).
Identifiers: ClinVar variation 3526679 (VCV003526679.1).